The following is an entry in ClinVar:

NM_000431.4(MVK):c.179G>A (p.Arg60Gln)

Gene: MVK (mevalonate kinase; plus strand). Cytogenetic location: 12q24.11.
Variant type: single nucleotide variant.
Coding change: c.179G>A on transcript NM_000431.4 (MANE Select); coding-DNA position 179, G replaced by A.
Protein change: p.Arg60Gln; replaces arginine 60 with glutamine.
Molecular consequence: missense variant. On other transcripts: 5 prime UTR variant (1), non-coding transcript variant (4).
Genome position (GRCh38, 1-based): chr12:109,576,098, G>A. VCF-style: chr12-109576098-G-A. GRCh37 (hg19) VCF-style: chr12-110013903-G-A.
Other names: c.179G>A, p.Arg60Gln (NM_001114185.3, NM_001301182.2, NM_001414511.1 and 3 more transcripts); c.-404G>A (NM_001414515.1); short protein forms R60Q.
Identifiers: ClinVar variation 2950610 (VCV002950610.2), dbSNP rs1248779646, ClinGen allele CA386643730.

ClinVar aggregate classification (germline): Uncertain significance (1 of 4 stars; one submission).

Conditions:
Hyperimmunoglobulin D with periodic fever (HIDS). Also called: Hyperimmunoglobulinemia D; Hyperimmunoglobulinemia D with periodic fever; HYPERIMMUNOGLOBULINEMIA D AND PERIODIC FEVER SYNDROME. Identifiers: Orphanet 343, MedGen C0398691, MONDO:0009849, OMIM 260920.
Porokeratosis 3, disseminated superficial actinic type (POROK3). Also called: POROKERATOSIS, DISSEMINATED SUPERFICIAL ACTINIC, 1; POROKERATOSIS 3, MULTIPLE TYPES; POROKERATOSIS 3, MIBELLI TYPE. Identifiers: MedGen C1867981, MONDO:0008293, OMIM 175900.
Mevalonic aciduria (MEVA). Identifiers: Orphanet 29, MedGen C1959626, MONDO:0012481, OMIM 610377.

Allele frequency attached by ClinVar (database versions not stated): gnomAD exomes below 0.00001; TOPMed below 0.00001; gnomAD 0.00001.
gnomAD v4.1: 8 of 1,614,010 alleles (0.0005%); highest among the groups gnomAD compares: Non-Finnish European, 0.00059%; no homozygotes.

Submission:

Labcorp Genetics (formerly Invitae), Labcorp
Classification: Uncertain significance for Mevalonic aciduria; Hyperimmunoglobulin D with periodic fever; Porokeratosis 3, disseminated superficial actinic type. Last evaluated: 2024-09-20. Review status: criteria provided, single submitter. Criteria: Invitae Variant Classification Sherloc (09022015). Collection method: clinical testing. Allele origin: germline.
Comment: This sequence change replaces arginine, which is basic and polar, with glutamine, which is neutral and polar, at codon 60 of the MVK protein (p.Arg60Gln). This variant is present in population databases (no rsID available, gnomAD 0.0009%). This variant has not been reported in the literature in individuals affected with MVK-related conditions. Invitae Evidence Modeling of protein sequence and biophysical properties (such as structural, functional, and spatial information, amino acid conservation, physicochemical variation, residue mobility, and thermodynamic stability) indicates that this missense variant is not expected to disrupt MVK protein function with a negative predictive value of 80%. In summary, the available evidence is currently insufficient to determine the role of this variant in disease. Therefore, it has been classified as a Variant of Uncertain Significance.